The following is an entry in ClinVar:

NM_002691.4(POLD1):c.2213A>G (p.Lys738Arg)

Gene: POLD1 (DNA polymerase delta 1, catalytic subunit; plus strand). Cytogenetic location: 19q13.33.
Variant type: single nucleotide variant.
Coding change: c.2213A>G on transcript NM_002691.4 (MANE Select); coding-DNA position 2213, A replaced by G.
Protein change: p.Lys738Arg; replaces lysine 738 with arginine.
Molecular consequence: missense variant. On other transcripts: non-coding transcript variant (1).
Genome position (GRCh38, 1-based): chr19:50,413,484, A>G. VCF-style: chr19-50413484-A-G. GRCh37 (hg19) VCF-style: chr19-50916741-A-G.
Other names: c.2213A>G, p.Lys738Arg (NM_001256849.1); c.2291A>G, p.Lys764Arg (NM_001308632.1); short protein forms K764R, K738R.
Identifiers: ClinVar variation 852489 (VCV000852489.7), dbSNP rs2039160071, ClinGen allele CA406983688.

ClinVar aggregate classification (germline): Uncertain significance (1 of 4 stars; one submission).

Conditions:
POLD1-related polyposis and colorectal cancer syndrome (CRCS10). Also called: Colorectal cancer 10; COLORECTAL CANCER, SUSCEPTIBILITY TO, ON CHROMOSOME 19q; Colorectal cancer, susceptibility to, 10. Identifiers: Orphanet 220460, MedGen C2675481, MONDO:0012953, OMIM 612591.

Submission:

Labcorp Genetics (formerly Invitae), Labcorp
Classification: Uncertain significance for POLD1-related polyposis and colorectal cancer syndrome. Last evaluated: 2024-12-15. Review status: criteria provided, single submitter. Criteria: Invitae Variant Classification Sherloc (09022015). Collection method: clinical testing. Allele origin: germline.
Comment: This sequence change replaces lysine, which is basic and polar, with arginine, which is basic and polar, at codon 738 of the POLD1 protein (p.Lys738Arg). This variant is not present in population databases (gnomAD no frequency). This variant has not been reported in the literature in individuals affected with POLD1-related conditions. ClinVar contains an entry for this variant (Variation ID: 852489). Invitae Evidence Modeling of protein sequence and biophysical properties (such as structural, functional, and spatial information, amino acid conservation, physicochemical variation, residue mobility, and thermodynamic stability) indicates that this missense variant is not expected to disrupt POLD1 protein function with a negative predictive value of 80%. RNA analysis performed to evaluate the impact of this missense change on mRNA splicing indicates it does not significantly alter splicing (internal data). In summary, the available evidence is currently insufficient to determine the role of this variant in disease. Therefore, it has been classified as a Variant of Uncertain Significance.